The following is an entry in ClinVar:

ClinVar aggregate classification (germline): Uncertain significance (1 of 4 stars; one submission).

Conditions:
Common variable immunodeficiency (CVID). Also called: Common variable hypogamma-globulinemia; Common variable agammaglobulinemia. Identifiers: Orphanet 1572, MedGen C0009447, MONDO:0015517.

Submission:

Labcorp Genetics (formerly Invitae), Labcorp
Classification: Uncertain significance for Common variable immunodeficiency. Last evaluated: 2024-11-11. Review status: criteria provided, single submitter. Criteria: Invitae Variant Classification Sherloc (09022015). Collection method: clinical testing. Allele origin: germline.
Comment: This variant, c.86_91del, results in the deletion of 2 amino acid(s) of the TNFSF12 protein (p.Gly29_Leu30del), but otherwise preserves the integrity of the reading frame. This variant is not present in population databases (gnomAD no frequency). This variant has not been reported in the literature in individuals affected with TNFSF12-related conditions. Experimental studies and prediction algorithms are not available or were not evaluated, and the functional significance of this variant is currently unknown. In summary, the available evidence is currently insufficient to determine the role of this variant in disease. Therefore, it has been classified as a Variant of Uncertain Significance.

NM_003809.3(TNFSF12):c.80GCCTGG[1] (p.27GL[1])

Genes: TNFSF12 (TNF superfamily member 12; plus strand), TNFSF12-TNFSF13 (TNFSF12-TNFSF13 readthrough; plus strand), LOC130060153 (ATAC-STARR-seq lymphoblastoid silent region 8127; plus strand). Cytogenetic location: 17p13.1.
Variant type: Microsatellite.
Coding change: c.80GCCTGG[1] on transcript NM_003809.3 (MANE Select); one copy of the 6-base unit GCCTGG starting at c.80; the reference has two copies in a row; one copy, 6 bases deleted.
Protein change: p.27GL[1].
Molecular consequence: inframe deletion. On other transcripts: non-coding transcript variant (1).
Genome position (GRCh38, 1-based): chr17:7,549,239-7,549,244, GCCTGG deleted; deleting any 6 consecutive bases within chr17:7,549,229-7,549,244 gives the same sequence; the position shown is the placement nearest the transcript's 3' end. VCF-style (leftmost placement, unchanged base first): chr17-7549228-GCTGGGC-G. GRCh37 (hg19) VCF-style: chr17-7452545-GCTGGGC-G.
Other names: c.80GCCTGG[1], p.27GL[1] (NM_172089.4).
Identifiers: ClinVar variation 2803813 (VCV002803813.3), dbSNP rs2508304937, ClinGen allele CA2635860223.